The following is an entry in ClinVar:

NM_015267.4(CUX2):c.1487C>T (p.Ala496Val)

Gene: CUX2 (cut like homeobox 2; plus strand). Cytogenetic location: 12q24.12.
Variant type: single nucleotide variant.
Coding change: c.1487C>T on transcript NM_015267.4 (MANE Select); coding-DNA position 1487, C replaced by T.
Protein change: p.Ala496Val; replaces alanine 496 with valine.
Molecular consequence: missense variant.
Genome position (GRCh38, 1-based): chr12:111,310,269, C>T. VCF-style: chr12-111310269-C-T. GRCh37 (hg19) VCF-style: chr12-111748073-C-T.
Other names: c.1301C>T, p.Ala434Val (NM_001370598.1); short protein forms A434V, A496V.
Identifiers: ClinVar variation 1676517 (VCV001676517.3), dbSNP rs1194307116, ClinGen allele CA386709274.

ClinVar aggregate classification (germline): Uncertain significance (1 of 4 stars; one submission).

gnomAD v4.1: 1 of 1,512,814 alleles (0.000066%); highest among the groups gnomAD compares: Non-Finnish European, 0.000089%; no homozygotes.

Submission:

Greenwood Genetic Center Diagnostic Laboratories, Greenwood Genetic Center
Classification: Uncertain significance. Last evaluated: 2022-01-12. Review status: criteria provided, single submitter. Criteria: ACMG Guidelines, 2015. Collection method: clinical testing. Allele origin: germline. Affected: yes.
Comment: BP4, PM2